The following is an entry in ClinVar:

NM_033028.5(BBS4):c.1340A>C (p.His447Pro)

Gene: BBS4 (Bardet-Biedl syndrome 4; plus strand). Cytogenetic location: 15q24.1.
Variant type: single nucleotide variant.
Coding change: c.1340A>C on transcript NM_033028.5 (MANE Select); coding-DNA position 1340, A replaced by C.
Protein change: p.His447Pro; replaces histidine 447 with proline.
Molecular consequence: missense variant. On other transcripts: non-coding transcript variant (2).
Genome position (GRCh38, 1-based): chr15:72,736,853, A>C. VCF-style: chr15-72736853-A-C. GRCh37 (hg19) VCF-style: chr15-73029194-A-C.
Other names: c.824A>C, p.His275Pro (NM_001252678.2); c.1271A>C, p.His424Pro (NM_001320665.2); short protein forms H275P, H447P, H424P.
Identifiers: ClinVar variation 1434432 (VCV001434432.5), dbSNP rs1419223053, ClinGen allele CA393080728.

ClinVar aggregate classification (germline): Uncertain significance (1 of 4 stars; one submission).

Conditions:
Bardet-Biedl syndrome (BBS). Identifiers: Orphanet 110, MedGen C0752166, MONDO:0015229.

Allele frequency attached by ClinVar (database versions not stated): gnomAD exomes below 0.00001.
gnomAD v4.1: 3 of 1,614,202 alleles (0.00019%); highest among the groups gnomAD compares: Non-Finnish European, 0.00025%; no homozygotes.

Submission:

Labcorp Genetics (formerly Invitae), Labcorp
Classification: Uncertain significance for Bardet-Biedl syndrome. Last evaluated: 2021-08-31. Review status: criteria provided, single submitter. Criteria: Invitae Variant Classification Sherloc (09022015). Collection method: clinical testing. Allele origin: germline.
Comment: This sequence change replaces histidine with proline at codon 447 of the BBS4 protein (p.His447Pro). The histidine residue is weakly conserved and there is a moderate physicochemical difference between histidine and proline. This variant is not present in population databases (ExAC no frequency). This variant has not been reported in the literature in individuals affected with BBS4-related conditions. Algorithms developed to predict the effect of missense changes on protein structure and function output the following: SIFT: "Tolerated"; PolyPhen-2: "Benign"; Align-GVGD: "Class C0". The proline amino acid residue is found in multiple mammalian species, which suggests that this missense change does not adversely affect protein function. In summary, the available evidence is currently insufficient to determine the role of this variant in disease. Therefore, it has been classified as a Variant of Uncertain Significance.